The following is an entry in ClinVar:

NM_000497.4(CYP11B1):c.1181del (p.Asn394fs)

Genes: CYP11B1 (cytochrome P450 family 11 subfamily B member 1; minus strand), LOC106799833 (CYP11B1 recombination region; plus strand). Cytogenetic location: 8q24.3.
Variant type: Deletion.
Coding change: c.1181del on transcript NM_000497.4 (MANE Select); coding-DNA position 1181, one base deleted (A; older notation c.1181delA).
Protein change: p.Asn394fs; shifts the reading frame from asparagine 394.
Molecular consequence: frameshift variant.
Genome position (GRCh38, 1-based): chr8:142,875,253, T deleted on the plus strand (A on the coding strand, the reverse complement: CYP11B1 is on the minus strand); the first of 2 consecutive T bases (chr8:142,875,253-142,875,254); deleting either gives the same sequence. VCF-style (leftmost placement, unchanged base first): chr8-142875252-GT-G. GRCh37 (hg19) VCF-style: chr8-143956668-GT-G.
Other names: c.1181delA (NM_000497.3); c.1181del, p.Asn394fs (NM_001026213.1); short protein forms N394fs.
Identifiers: ClinVar variation 447222 (VCV000447222.12), dbSNP rs1256580853, ClinGen allele CA585726624.

ClinVar aggregate classification (germline): Pathogenic. Review status: criteria provided, multiple submitters, no conflicts (2 of 4 stars). 5 submissions from 5 submitters: Pathogenic (4). 1 of the submissions does not count toward it. Last evaluated 2025-09-19.

Conditions:
CYP11B1-related disorder. Also called: CYP11B1-related condition.
Glucocorticoid-remediable aldosteronism. Also called: FH I; GLUCOCORTICOID-SUPPRESSIBLE HYPERALDOSTERONISM; ACTH-DEPENDENT HYPERALDOSTERONISM SYNDROME; ALDOSTERONISM, SENSITIVE TO DEXAMETHASONE; Hyperaldosteronism, familial, type I. Identifiers: Orphanet 403, MedGen C3838731, MONDO:0007080, OMIM 103900.
Deficiency of steroid 11-beta-monooxygenase (CYP11B1). Also called: ADRENAL HYPERPLASIA IV; 11-BETA-HYDROXYLASE DEFICIENCY; P450C11B1 DEFICIENCY; STEROID 11-BETA-HYDROXYLASE DEFICIENCY; Congenital adrenal hyperplasia due to 11-beta-hydroxylase deficiency; ADRENAL HYPERPLASIA, CONGENITAL, DUE TO STEROID 11-BETA-HYDROXYLASE DEFICIENCY. Identifiers: Orphanet 90795, MedGen C0268292, MONDO:0008729, OMIM 202010. Disease mechanism: loss of function.

Submissions (5):

Labcorp Genetics (formerly Invitae), Labcorp
Classification: Pathogenic. Last evaluated: 2025-09-19. Review status: criteria provided, single submitter. Criteria: Invitae Variant Classification Sherloc (09022015). Collection method: clinical testing. Allele origin: germline.
Comment: This sequence change creates a premature translational stop signal (p.Asn394Thrfs*36) in the CYP11B1 gene. It is expected to result in an absent or disrupted protein product. Loss-of-function variants in CYP11B1 are known to be pathogenic (PMID: 8506298, 26476331). This variant is present in population databases (no rsID available, gnomAD 0.006%). This premature translational stop signal has been observed in individual(s) with congenital adrenal hyperplasia (PMID: 10487675). This variant is also known as R394del1. ClinVar contains an entry for this variant (Variation ID: 447222). For these reasons, this variant has been classified as Pathogenic.

PreventionGenetics, part of Exact Sciences
Classification: Pathogenic for CYP11B1-related condition. Last evaluated: 2025-01-06. Review status: criteria provided, single submitter. Criteria: ACMG Guidelines, 2015. Collection method: clinical testing. Allele origin: germline.
Comment: The CYP11B1 c.1181delA variant is predicted to result in a frameshift and premature protein termination (p.Asn394Thrfs*36). This variant has been reported to be pathogenic for autosomal recessive 11-ß-hydroxylase deficiency (see for example, reported as R394∆1 in Cerame et al. 1999. PubMed ID: 10487675). This variant is reported in 0.0058% of alleles in individuals of Latino descent in gnomAD. Frameshift variants in CYP11B1 are expected to be pathogenic. This variant is interpreted as pathogenic.

Fulgent Genetics
Classification: Pathogenic for Glucocorticoid-remediable aldosteronism; Deficiency of steroid 11-beta-monooxygenase. Last evaluated: 2024-03-06. Review status: criteria provided, single submitter. Criteria: ACMG Guidelines, 2015. Collection method: clinical testing. Allele origin: germline.

Athena Diagnostics
Classification: Pathogenic. Last evaluated: 2013-10-11. Review status: criteria provided, single submitter. Criteria: Athena Diagnostics Criteria. Collection method: clinical testing. Allele origin: germline.

Counsyl
Classification: Pathogenic for Deficiency of steroid 11-beta-monooxygenase. Last evaluated: 2017-08-15. Review status: no assertion criteria provided. Collection method: clinical testing. Allele origin: unknown. Not counted in ClinVar's aggregate classification.

Literature cited by the submitters: PubMed 8506298 (cited by Labcorp Genetics (formerly Invitae), Labcorp); PubMed 26476331 (cited by Labcorp Genetics (formerly Invitae), Labcorp); PubMed 10487675 (cited by 3 submitters).